The following is an entry in ClinVar:

NM_001458.5(FLNC):c.5013G>T (p.Lys1671Asn)

Gene: FLNC (filamin C; plus strand). Cytogenetic location: 7q32.1.
Variant type: single nucleotide variant.
Coding change: c.5013G>T on transcript NM_001458.5 (MANE Select); coding-DNA position 5013, G replaced by T.
Protein change: p.Lys1671Asn; replaces lysine 1671 with asparagine.
Molecular consequence: missense variant.
Genome position (GRCh38, 1-based): chr7:128,849,392, G>T. VCF-style: chr7-128849392-G-T. GRCh37 (hg19) VCF-style: chr7-128489446-G-T.
Other names: c.5013G>T, p.Lys1671Asn (NM_001127487.2); short protein forms K1671N.
Identifiers: ClinVar variation 2180491 (VCV002180491.4), dbSNP rs758959929, ClinGen allele CA4475542.
Genomic context (GRCh38, chr7:128,849,392, plus strand): 5'-TGCCTGCCTGGGCCCTCGAATCCAGATTGGGCAGGAGACGGTGATCACGGTGGATGCCAA[G>T]GCAGCCGGTGAGGGGAAGGTGACATGCACGGTGTCCACGCCGGATGGGGCAGAGCTCGAT-3'
Protein context (NP_001449.3, residues 1661-1681): GQETVITVDA[Lys1671Asn]AAGEGKVTCT

ClinVar aggregate classification (germline): Uncertain significance (1 of 4 stars; one submission).

Conditions:
Myofibrillar myopathy 5. Also called: FILAMINOPATHY, AUTOSOMAL DOMINANT; Filaminopathy (type). Identifiers: Orphanet 171445, MedGen C1836050, MONDO:0012289, OMIM 609524.
Distal myopathy with posterior leg and anterior hand involvement. Also called: WILLIAMS DISTAL MYOPATHY. Identifiers: Orphanet 63273, MedGen C3279722, MONDO:0013550, OMIM 614065.
Hypertrophic cardiomyopathy 26. Also called: Cardiomyopathy, familial hypertrophic, 26. Identifiers: Orphanet 75249, MedGen C4310749, MONDO:0014883, OMIM 617047.

Allele frequency attached by ClinVar (database versions not stated): gnomAD exomes below 0.00001; ExAC 0.00001; TOPMed 0.00002; gnomAD 0.00003.
gnomAD v4.1: 12 of 1,614,044 alleles (0.00074%); highest among the groups gnomAD compares: Non-Finnish European, 0.001%; no homozygotes.

Submission:

Labcorp Genetics (formerly Invitae), Labcorp
Classification: Uncertain significance for Distal myopathy with posterior leg and anterior hand involvement; Myofibrillar myopathy 5; Hypertrophic cardiomyopathy 26. Last evaluated: 2022-09-15. Review status: criteria provided, single submitter. Criteria: Invitae Variant Classification Sherloc (09022015). Collection method: clinical testing. Allele origin: germline.
Comment: Advanced modeling of protein sequence and biophysical properties (such as structural, functional, and spatial information, amino acid conservation, physicochemical variation, residue mobility, and thermodynamic stability) has been performed at Invitae for this missense variant, however the output from this modeling did not meet the statistical confidence thresholds required to predict the impact of this variant on FLNC protein function. In summary, the available evidence is currently insufficient to determine the role of this variant in disease. Therefore, it has been classified as a Variant of Uncertain Significance. This variant has not been reported in the literature in individuals affected with FLNC-related conditions. This sequence change replaces lysine, which is basic and polar, with asparagine, which is neutral and polar, at codon 1671 of the FLNC protein (p.Lys1671Asn). This variant is present in population databases (rs758959929, gnomAD 0.0009%).